The following is an entry in ClinVar:

NM_001330260.2(SCN8A):c.4436T>C (p.Ile1479Thr)

Gene: SCN8A (sodium voltage-gated channel alpha subunit 8; plus strand). Cytogenetic location: 12q13.13.
Variant type: single nucleotide variant.
Coding change: c.4436T>C on transcript NM_001330260.2 (MANE Select); coding-DNA position 4436, T replaced by C.
Protein change: p.Ile1479Thr; replaces isoleucine 1479 with threonine.
Molecular consequence: missense variant.
Genome position (GRCh38, 1-based): chr12:51,790,414, T>C. VCF-style: chr12-51790414-T-C. GRCh37 (hg19) VCF-style: chr12-52184198-T-C.
Other names: c.4313T>C, p.Ile1438Thr (NM_001177984.3, NM_001369788.1); c.4436T>C, p.Ile1479Thr (NM_014191.4); short protein forms I1479T, I1438T.
Identifiers: ClinVar variation 869447 (VCV000869447.6), dbSNP rs1938214529, ClinGen allele CA384909036.

ClinVar aggregate classification (germline): Pathogenic/Likely pathogenic. Review status: criteria provided, multiple submitters, no conflicts (2 of 4 stars). 2 submissions from 2 submitters: Pathogenic (1); Likely pathogenic (1). Last evaluated 2022-03-11.

Conditions:
Early-infantile DEE. Also called: Early infantile epileptic encephalopathy; Ohtahara syndrome; Early infantile epileptic encephalopathy with suppression bursts. Identifiers: Orphanet 1934, MedGen C0393706, MONDO:0800491.
Developmental and epileptic encephalopathy, 13 (DEE13). Also called: Developmental and Epileptic Encephalopathy (SCN8A-DEE); SCN8A-Related Epilepsy; Early infantile epileptic encephalopathy 13. Identifiers: Orphanet 442835, MedGen C3281191, MONDO:0013801, OMIM 614558.

Submissions (2):

Labcorp Genetics (formerly Invitae), Labcorp
Classification: Pathogenic for Early-infantile DEE. Last evaluated: 2022-03-11. Review status: criteria provided, single submitter. Criteria: Invitae Variant Classification Sherloc (09022015). Collection method: clinical testing. Allele origin: germline.
Comment: ClinVar contains an entry for this variant (Variation ID: 869447). This sequence change replaces isoleucine, which is neutral and non-polar, with threonine, which is neutral and polar, at codon 1479 of the SCN8A protein (p.Ile1479Thr). This variant is not present in population databases (gnomAD no frequency). This missense change has been observed in individual(s) with clinical features of developmental and epileptic encephalopathy (Invitae). In at least one individual the variant was observed to be de novo. Algorithms developed to predict the effect of missense changes on protein structure and function are either unavailable or do not agree on the potential impact of this missense change (SIFT: "Deleterious"; PolyPhen-2: "Possibly Damaging"; Align-GVGD: "Class C0"). This variant disrupts the p.Ile1479 amino acid residue in SCN8A. Other variant(s) that disrupt this residue have been determined to be pathogenic (PMID: 25568300). This suggests that this residue is clinically significant, and that variants that disrupt this residue are likely to be disease-causing. For these reasons, this variant has been classified as Pathogenic.

MVZ Martinsried, Medicover Genetics
Classification: Likely pathogenic for Developmental and epileptic encephalopathy, 13. Last evaluated: 2019-12-10. Review status: criteria provided, single submitter. Criteria: ACMG Guidelines, 2015. Collection method: clinical testing. Allele origin: unknown. Affected: yes.

Literature cited by the submitters: PubMed 25568300 (cited by Labcorp Genetics (formerly Invitae), Labcorp).